The following is an entry in ClinVar:

NM_007294.4(BRCA1):c.215G>A (p.Ser72Asn)

Gene: BRCA1 (BRCA1 DNA repair associated; minus strand). Cytogenetic location: 17q21.31.
Variant type: single nucleotide variant.
Coding change: c.215G>A on transcript NM_007294.4 (MANE Select); coding-DNA position 215, G replaced by A.
Protein change: p.Ser72Asn; replaces serine 72 with asparagine.
Molecular consequence: missense variant. On other transcripts: non-coding transcript variant (1).
Genome position (GRCh38, 1-based): chr17:43,104,954, C>T on the plus strand (G>A on the coding strand, the complement: BRCA1 is on the minus strand). VCF-style: chr17-43104954-C-T. GRCh37 (hg19) VCF-style: chr17-41256971-C-T.
Other names: c.5G>A, p.Ser2Asn (NM_001408493.1, NM_001408502.1, NM_001408506.1 and 58 more transcripts); c.215G>A, p.Ser72Asn (NM_001408494.1, NM_001408495.1, NM_007298.4 and 168 more transcripts); c.74G>A, p.Ser25Asn (NM_001408496.1, NM_001408497.1, NM_001408498.1 and 99 more transcripts); c.-167G>A (NM_001408510.1, NM_001408512.1, NM_001407959.1 and 4 more transcripts); c.137G>A, p.Ser46Asn (NM_001407653.1, NM_001407654.1, NM_001407655.1 and 21 more transcripts); c.83G>A, p.Ser28Asn (NM_001408451.1); short protein forms S72N, S25N, S46N, S2N, S28N.
Identifiers: ClinVar variation 867975 (VCV000867975.3), dbSNP rs2054698467, ClinGen allele CA10601732.

Conditions:
Breast-ovarian cancer, familial, susceptibility to, 1 (BROVCA1). Also called: BRCA1 Hereditary Breast and Ovarian Cancer; OVARIAN CANCER, SUSCEPTIBILITY TO. Identifiers: Orphanet 145, MedGen C2676676, MONDO:0011450, OMIM 604370. Disease mechanism: loss of function.

Submission:

Brotman Baty Institute, University of Washington
No classification provided (evidence only). Condition: Breast-ovarian cancer, familial 1. Review status: no classification provided. Collection method: in vitro. Allele origin: not applicable. Functional consequence: functionally_abnormal.
ClinVar note: "not provided" was previously submitted as the classification for the variant. However, the classification appeared to be based only on an observation of functional data so it was converted to no classification on 2025-07-30.